The following is an entry in ClinVar:

ClinVar aggregate classification (germline): Likely pathogenic. Review status: criteria provided, multiple submitters, no conflicts (2 of 4 stars). 5 submissions from 3 submitters: Likely pathogenic (5). Last evaluated 2023-11-08.

Conditions:
Pigmented paravenous retinochoroidal atrophy. Identifiers: Orphanet 251295, MedGen C1868310, MONDO:0008246, OMIM 172870.
Leber congenital amaurosis 8 (LCA8). Identifiers: Orphanet 65, MedGen C3151202, MONDO:0013453, OMIM 613835.
Retinitis pigmentosa 12 (RP12). Also called: RP WITH OR WITHOUT PPRPE; RP WITH OR WITHOUT PRESERVED PARAARTERIOLE RETINAL PIGMENT EPITHELIUM; RETINITIS PIGMENTOSA WITH OR WITHOUT PARAARTERIOLAR PRESERVATION OF RETINAL PIGMENT EPITHELIUM. Identifiers: Orphanet 791, MedGen C1838647, MONDO:0010818, OMIM 600105.
CRB1-related disorder. Also called: CRB1-related disorders; CRB1-related condition.

Submissions (5):

Labcorp Genetics (formerly Invitae), Labcorp
Classification: Likely pathogenic for Leber congenital amaurosis 8; Retinitis pigmentosa 12. Last evaluated: 2023-11-08. Review status: criteria provided, single submitter. Criteria: Invitae Variant Classification Sherloc (09022015). Collection method: clinical testing. Allele origin: germline.
Comment: This sequence change replaces cysteine, which is neutral and slightly polar, with arginine, which is basic and polar, at codon 450 of the CRB1 protein (p.Cys450Arg). This variant is not present in population databases (gnomAD no frequency). This variant has not been reported in the literature in individuals affected with CRB1-related conditions. ClinVar contains an entry for this variant (Variation ID: 865858). Advanced modeling of protein sequence and biophysical properties (such as structural, functional, and spatial information, amino acid conservation, physicochemical variation, residue mobility, and thermodynamic stability) performed at Invitae indicates that this missense variant is expected to disrupt CRB1 protein function with a positive predictive value of 95%. This variant disrupts the p.Cys450 amino acid residue in CRB1. Other variant(s) that disrupt this residue have been determined to be pathogenic (Invitae). This suggests that this residue is clinically significant, and that variants that disrupt this residue are likely to be disease-causing. In summary, the currently available evidence indicates that the variant is pathogenic, but additional data are needed to prove that conclusively. Therefore, this variant has been classified as Likely Pathogenic.

Genome-Nilou Lab
Classification: Likely pathogenic for Leber congenital amaurosis 8. Last evaluated: 2023-04-11. Review status: criteria provided, single submitter. Criteria: ACMG Guidelines, 2015. Collection method: clinical testing. Allele origin: germline. Affected: no.

Genome-Nilou Lab
Classification: Likely pathogenic for Pigmented paravenous retinochoroidal atrophy. Last evaluated: 2023-04-11. Review status: criteria provided, single submitter. Criteria: ACMG Guidelines, 2015. Collection method: clinical testing. Allele origin: germline. Affected: no.

Genome-Nilou Lab
Classification: Likely pathogenic for Retinitis pigmentosa 12. Last evaluated: 2023-04-11. Review status: criteria provided, single submitter. Criteria: ACMG Guidelines, 2015. Collection method: clinical testing. Allele origin: germline. Affected: no.

Blueprint Genetics
Classification: Likely pathogenic for CRB1-related disorders. Last evaluated: 2017-08-26. Review status: criteria provided, single submitter. Criteria: ACMG Guidelines, 2015. Collection method: clinical testing. Allele origin: germline. Affected: yes. Observed: 1 variant allele.

NM_201253.3(CRB1):c.1348T>C (p.Cys450Arg)

Gene: CRB1 (crumbs cell polarity complex component 1; plus strand). Cytogenetic location: 1q31.3.
Variant type: single nucleotide variant.
Coding change: c.1348T>C on transcript NM_201253.3 (MANE Select); coding-DNA position 1348, T replaced by C.
Protein change: p.Cys450Arg; replaces cysteine 450 with arginine.
Molecular consequence: missense variant. On other transcripts: non-coding transcript variant (2).
Genome position (GRCh38, 1-based): chr1:197,421,176, T>C. VCF-style: chr1-197421176-T-C. GRCh37 (hg19) VCF-style: chr1-197390306-T-C.
Other names: c.1012T>C, p.Cys338Arg (NM_001193640.2); c.1141T>C, p.Cys381Arg (NM_001257965.2); c.1348T>C, p.Cys450Arg (NM_001257966.2); short protein forms C450R, C338R, C381R.
Identifiers: ClinVar variation 865858 (VCV000865858.8), dbSNP rs1664290387, ClinGen allele CA344030488.